The following is an entry in ClinVar:

NM_006231.4(POLE):c.1879G>C (p.Val627Leu)

Gene: POLE (DNA polymerase epsilon, catalytic subunit; minus strand). Cytogenetic location: 12q24.33.
Variant type: single nucleotide variant.
Coding change: c.1879G>C on transcript NM_006231.4 (MANE Select); coding-DNA position 1879, G replaced by C.
Protein change: p.Val627Leu; replaces valine 627 with leucine.
Molecular consequence: missense variant.
Genome position (GRCh38, 1-based): chr12:132,668,855, C>G on the plus strand (G>C on the coding strand, the complement: POLE is on the minus strand). VCF-style: chr12-132668855-C-G. GRCh37 (hg19) VCF-style: chr12-133245441-C-G.
Other names: short protein forms V627L.
Identifiers: ClinVar variation 1023927 (VCV001023927.13), dbSNP rs747929590, ClinGen allele CA6893789.

ClinVar aggregate classification (germline): Uncertain significance. Review status: criteria provided, multiple submitters, no conflicts (2 of 4 stars). 2 submissions from 2 submitters: Uncertain significance (2). Last evaluated 2025-03-04.

Allele frequency attached by ClinVar (database versions not stated): gnomAD exomes below 0.00001; ExAC 0.00001.
gnomAD v4.1: 1 of 1,614,128 alleles (0.000062%); no homozygotes.

Submissions (2):

Center for Genomic Medicine, Rigshospitalet, Copenhagen University Hospital
Classification: Uncertain significance. Last evaluated: 2025-03-04. Review status: criteria provided, single submitter. Criteria: ACMG Guidelines, 2015. Collection method: clinical testing. Allele origin: germline.

Labcorp Genetics (formerly Invitae), Labcorp
Classification: Uncertain significance. Last evaluated: 2021-01-28. Review status: criteria provided, single submitter. Criteria: Invitae Variant Classification Sherloc (09022015). Collection method: clinical testing. Allele origin: germline.
Comment: This variant has not been reported in the literature in individuals with POLE-related conditions. In summary, the available evidence is currently insufficient to determine the role of this variant in disease. Therefore, it has been classified as a Variant of Uncertain Significance. Algorithms developed to predict the effect of missense changes on protein structure and function (SIFT, PolyPhen-2, Align-GVGD) all suggest that this variant is likely to be disruptive, but these predictions have not been confirmed by published functional studies and their clinical significance is uncertain. This variant is present in population databases (rs747929590, ExAC 0.001%). This sequence change replaces valine with leucine at codon 627 of the POLE protein (p.Val627Leu). The valine residue is highly conserved and there is a small physicochemical difference between valine and leucine.